The following is an entry in ClinVar:

NM_020163.3(SEMA3G):c.1282G>A (p.Val428Ile)

Gene: SEMA3G (semaphorin 3G; minus strand). Cytogenetic location: 3p21.1.
Variant type: single nucleotide variant.
Coding change: c.1282G>A on transcript NM_020163.3 (MANE Select); coding-DNA position 1282, G replaced by A.
Protein change: p.Val428Ile; replaces valine 428 with isoleucine.
Molecular consequence: missense variant.
Genome position (GRCh38, 1-based): chr3:52,439,960, C>T on the plus strand (G>A on the coding strand, the complement: SEMA3G is on the minus strand). VCF-style: chr3-52439960-C-T. GRCh37 (hg19) VCF-style: chr3-52473976-C-T.
Other names: short protein forms V428I.
Identifiers: ClinVar variation 3350771 (VCV003350771.1).
Genomic context (GRCh38, chr3:52,439,960, plus strand): 5'-CCTCTGCCTCCACGCGGTCCACCACGATCTGGTGTAGCTGCTGGGCCAGGTGGGTCTTGA[C>T]AAGGACAGGGCGGCCATGTCGAGGCCGCACAGGCCAGAACATGAGGGGGTGGGCTCGGGC-3'
Protein context (NP_064548.1, residues 418-438): VRPRHGRPVL[Val428Ile]KTHLAQQLHQ

ClinVar aggregate classification (germline): Uncertain significance (0 of 4 stars; one submission).

Conditions:
SEMA3G-related disorder. Also called: SEMA3G-related condition.

gnomAD v4.1: 5 of 1,613,806 alleles (0.00031%); highest among the groups gnomAD compares: Admixed American, 0.0017%; no homozygotes.

Submission:

PreventionGenetics, part of Exact Sciences
Classification: Uncertain significance for SEMA3G-related condition. Last evaluated: 2024-06-19. Review status: no assertion criteria provided. Collection method: clinical testing. Allele origin: germline.
Comment: The SEMA3G c.1282G>A variant is predicted to result in the amino acid substitution p.Val428Ile. To our knowledge, this variant has not been reported in the literature. This variant is reported in 0.0029% of alleles in individuals of Latino descent in gnomAD. At this time, the clinical significance of this variant is uncertain due to the absence of conclusive functional and genetic evidence.